The following is an entry in ClinVar:

ClinVar aggregate classification (germline): Uncertain significance (1 of 4 stars; one submission).

Conditions:
Hereditary cancer-predisposing syndrome. Also called: Hereditary neoplastic syndrome; Neoplastic Syndromes, Hereditary; Tumor predisposition; Hereditary Cancer Syndrome. Identifiers: Orphanet 140162, MedGen C0027672, MeSH D009386, MONDO:0015356.

gnomAD v4.1: 1 of 1,613,282 alleles (0.000062%); highest among the groups gnomAD compares: Non-Finnish European, 0.000085%; no homozygotes.

Submission:

Ambry Genetics
Classification: Uncertain significance for Hereditary cancer-predisposing syndrome. Last evaluated: 2024-12-22. Review status: criteria provided, single submitter. Criteria: Ambry Variant Classification Scheme 2023. Collection method: clinical testing. Allele origin: germline.
Comment: The p.R1217G variant (also known as c.3649A>G), located in coding exon 10 of the BRCA2 gene, results from an A to G substitution at nucleotide position 3649. The arginine at codon 1217 is replaced by glycine, an amino acid with dissimilar properties. This amino acid position is conserved. In addition, this alteration is predicted to be tolerated by in silico analysis. Based on the available evidence, the clinical significance of this variant remains unclear.

NM_000059.4(BRCA2):c.3649A>G (p.Arg1217Gly)

Gene: BRCA2 (BRCA2 DNA repair associated; plus strand). Cytogenetic location: 13q13.1.
Variant type: single nucleotide variant.
Coding change: c.3649A>G on transcript NM_000059.4 (MANE Select); coding-DNA position 3649, A replaced by G.
Protein change: p.Arg1217Gly; replaces arginine 1217 with glycine.
Molecular consequence: missense variant. On other transcripts: non-coding transcript variant (1), intron variant (2).
Genome position (GRCh38, 1-based): chr13:32,338,004, A>G. VCF-style: chr13-32338004-A-G. GRCh37 (hg19) VCF-style: chr13-32912141-A-G.
Other names: c.3649A>G, p.Arg1217Gly (NM_001406719.1, NM_001406720.1, NM_001432077.1); c.1909+4617A>G (NM_001406721.1); c.425-6554A>G (NM_001406722.1); short protein forms R1217G.
Identifiers: ClinVar variation 3825406 (VCV003825406.1).
Genomic context (GRCh38, chr13:32,338,004, plus strand): 5'-AAAAATGACTGTAACAAAAGTGCTTCTGGTTATTTAACAGATGAAAATGAAGTGGGGTTT[A>G]GGGGCTTTTATTCTGCTCATGGCACAAAACTGAATGTTTCTACTGAAGCTCTGCAAAAAG-3'
Protein context (NP_000050.3, residues 1207-1227): YLTDENEVGF[Arg1217Gly]GFYSAHGTKL